The following is an entry in ClinVar:

NM_206933.4(USH2A):c.4040G>A (p.Ser1347Asn)

Genes: USH2A (usherin; minus strand), USH2A-AS1 (USH2A antisense RNA 1; plus strand). Cytogenetic location: 1q41.
Variant type: single nucleotide variant.
Coding change: c.4040G>A on transcript NM_206933.4 (MANE Select); coding-DNA position 4040, G replaced by A.
Protein change: p.Ser1347Asn; replaces serine 1347 with asparagine.
Molecular consequence: missense variant.
Genome position (GRCh38, 1-based): chr1:216,198,356, C>T on the plus strand (G>A on the coding strand, the complement: USH2A is on the minus strand). VCF-style: chr1-216198356-C-T. GRCh37 (hg19) VCF-style: chr1-216371698-C-T.
Other names: c.4040G>A, p.Ser1347Asn (NM_007123.6); short protein forms S1347N.
Identifiers: ClinVar variation 931655 (VCV000931655.3), dbSNP rs760233343, ClinGen allele CA1395848.
Genomic context (GRCh38, chr1:216,198,356, plus strand): 5'-TTAAAACATTGATCTTTACCTGATTCTCCCGTTCTTTCTGAGACCCAGGCAGAAGACACA[C>T]TTCCAGCCATATTCACAGCTAAGACTCTGAACTCATACTTGGTGTATGGCTCCAAGCCAG-3'
Protein context (NP_996816.3, residues 1337-1357): FRVLAVNMAG[Ser1347Asn]VSSAWVSERT

ClinVar aggregate classification (germline): Uncertain significance (1 of 4 stars; one submission).

Conditions:
Usher syndrome type 2A. Also called: RETINAL DISEASE IN USHER SYNDROME TYPE IIA, MODIFIER OF; USHER SYNDROME, TYPE IIA. Identifiers: Orphanet 231178, Orphanet 886, MedGen C1848634, MONDO:0010169, OMIM 276901.

Allele frequency attached by ClinVar (database versions not stated): gnomAD exomes below 0.00001; ExAC 0.00001; gnomAD 0.00001; TOPMed 0.00001.
gnomAD v4.1: 3 of 1,613,936 alleles (0.00019%); highest among the groups gnomAD compares: African/African-American, 0.0013%; no homozygotes.

Submission:

Centre for Mendelian Genomics, University Medical Centre Ljubljana
Classification: Uncertain significance for Usher syndrome type 2A. Last evaluated: 2019-10-30. Review status: criteria provided, single submitter. Criteria: ACMG Guidelines, 2015. Collection method: clinical testing. Allele origin: unknown. Affected: yes.
Comment: This variant was classified as: Uncertain significance. The available evidence on this variant's pathogenicity is insufficient or conflicting. The following ACMG criteria were applied in classifying this variant: PM1,PM2,PP3,BP1.